The following is an entry in ClinVar:

ClinVar aggregate classification (germline): Uncertain significance (1 of 4 stars; one submission).

Conditions:
Long QT syndrome (LQTS). Identifiers: MedGen C0023976, MeSH D008133, MONDO:0002442. Disease mechanism: loss of function. Inheritance: Various modes of inheritance.

Submission:

Labcorp Genetics (formerly Invitae), Labcorp
Classification: Uncertain significance for Long QT syndrome. Last evaluated: 2024-01-29. Review status: criteria provided, single submitter. Criteria: Invitae Variant Classification Sherloc (09022015). Collection method: clinical testing. Allele origin: germline.
Comment: This sequence change replaces proline, which is neutral and non-polar, with leucine, which is neutral and non-polar, at codon 63 of the KCNH2 protein (p.Pro63Leu). This variant is not present in population databases (gnomAD no frequency). This variant has not been reported in the literature in individuals affected with KCNH2-related conditions. ClinVar contains an entry for this variant (Variation ID: 1362987). An algorithm developed to predict the effect of missense changes on protein structure and function (PolyPhen-2) suggests that this variant is likely to be disruptive. In summary, the available evidence is currently insufficient to determine the role of this variant in disease. Therefore, it has been classified as a Variant of Uncertain Significance.

NM_000238.4(KCNH2):c.188C>T (p.Pro63Leu)

Gene: KCNH2 (potassium voltage-gated channel subfamily H member 2; minus strand). Cytogenetic location: 7q36.1.
Variant type: single nucleotide variant.
Coding change: c.188C>T on transcript NM_000238.4 (MANE Select); coding-DNA position 188, C replaced by T.
Protein change: p.Pro63Leu; replaces proline 63 with leucine.
Molecular consequence: missense variant.
Genome position (GRCh38, 1-based): chr7:150,974,830, G>A on the plus strand (C>T on the coding strand, the complement: KCNH2 is on the minus strand). VCF-style: chr7-150974830-G-A. GRCh37 (hg19) VCF-style: chr7-150671918-G-A.
Other names: c.11C>T, p.Pro4Leu (NM_001406755.1); c.188C>T, p.Pro63Leu (NM_172056.3); short protein forms P63L, P4L.
Identifiers: ClinVar variation 1362987 (VCV001362987.9), dbSNP rs766379103, ClinGen allele CA369865681.